The following is an entry in ClinVar:

ClinVar aggregate classification (germline): Pathogenic (1 of 4 stars; one submission).

Conditions:
Ataxia-telangiectasia syndrome (AT). Also called: LOUIS-BAR SYNDROME; Ataxia-telangiectasia, complementation group E; Ataxia-telangiectasia, complementation group D; AT, COMPLEMENTATION GROUP C; Ataxia telangiectasia (A-T); Cerebello-oculocutaneous telangiectasia. Identifiers: Orphanet 100, MedGen C0004135, MONDO:0008840, OMIM 208900.

Submission:

Labcorp Genetics (formerly Invitae), Labcorp
Classification: Pathogenic for Ataxia-telangiectasia syndrome. Last evaluated: 2018-07-17. Review status: criteria provided, single submitter. Criteria: Invitae Variant Classification Sherloc (09022015). Collection method: clinical testing. Allele origin: germline.
Comment: This sequence change creates a premature translational stop signal (p.Ser1338Valfs*11) in the ATM gene. It is expected to result in an absent or disrupted protein product. This variant is not present in population databases (ExAC no frequency). This variant has not been reported in the literature in individuals with ATM-related disease. Loss-of-function variants in ATM are known to be pathogenic (PMID: 23807571, 25614872). For these reasons, this variant has been classified as Pathogenic.

Literature cited by the submitters: PubMed 23807571; PubMed 25614872.

NM_000051.4(ATM):c.4011del (p.Ser1338fs)

Gene: ATM (ATM serine/threonine kinase; plus strand). Cytogenetic location: 11q22.3.
Variant type: Deletion.
Coding change: c.4011del on transcript NM_000051.4 (MANE Select); coding-DNA position 4011, one base deleted (T; older notation c.4011delT).
Protein change: p.Ser1338fs; shifts the reading frame from serine 1338.
Molecular consequence: frameshift variant.
Genome position (GRCh38, 1-based): chr11:108,287,617, T deleted; the last of 2 consecutive T bases (chr11:108,287,616-108,287,617); deleting either gives the same sequence. VCF-style (leftmost placement, unchanged base first): chr11-108287615-AT-A. GRCh37 (hg19) VCF-style: chr11-108158342-AT-A.
Other names: c.4011delT (NM_000051.3); c.4011del, p.Ser1338fs (NM_001351834.2); short protein forms S1338fs.
Identifiers: ClinVar variation 640382 (VCV000640382.6), dbSNP rs1591655633, ClinGen allele CA915944410.